The following is an entry in ClinVar:

NM_177438.3(DICER1):c.140A>G (p.Tyr47Cys)

Gene: DICER1 (dicer 1, ribonuclease III; minus strand). Cytogenetic location: 14q32.13.
Variant type: single nucleotide variant.
Coding change: c.140A>G on transcript NM_177438.3 (MANE Select); coding-DNA position 140, A replaced by G.
Protein change: p.Tyr47Cys; replaces tyrosine 47 with cysteine.
Molecular consequence: missense variant. On other transcripts: 5 prime UTR variant (8), non-coding transcript variant (6), intron variant (1).
Genome position (GRCh38, 1-based): chr14:95,133,319, T>C on the plus strand (A>G on the coding strand, the complement: DICER1 is on the minus strand). VCF-style: chr14-95133319-T-C. GRCh37 (hg19) VCF-style: chr14-95599656-T-C.
Other names: c.140A>G, p.Tyr47Cys (NM_001271282.3, NM_001291628.2, NM_001395677.1 and 15 more transcripts); c.-135A>G (NM_001395686.1, NM_001395688.1, NM_001395689.1 and 3 more transcripts); c.-319A>G (NM_001395691.1); c.-1429A>G (NM_001395697.1); c.-130-642A>G (NM_001395687.1); short protein forms Y47C.
Identifiers: ClinVar variation 2451703 (VCV002451703.5), dbSNP rs753790391, ClinGen allele CA390890339.

ClinVar aggregate classification (germline): Uncertain significance. Review status: criteria provided, multiple submitters, no conflicts (2 of 4 stars). 2 submissions from 2 submitters: Uncertain significance (2). Last evaluated 2023-02-02.

Conditions:
Hereditary cancer-predisposing syndrome. Also called: Hereditary neoplastic syndrome; Tumor predisposition; Neoplastic Syndromes, Hereditary; Hereditary Cancer Syndrome. Identifiers: Orphanet 140162, MedGen C0027672, MeSH D009386, MONDO:0015356.
DICER1-related tumor predisposition. Also called: DICER1 syndrome; DICER1-related pleuropulmonary blastoma cancer predisposition syndrome. Identifiers: Orphanet 284343, MedGen C3839822, MONDO:0100216.

Submissions (2):

Labcorp Genetics (formerly Invitae), Labcorp
Classification: Uncertain significance for DICER1-related tumor predisposition. Last evaluated: 2023-02-02. Review status: criteria provided, single submitter. Criteria: Invitae Variant Classification Sherloc (09022015). Collection method: clinical testing. Allele origin: germline.
Comment: This sequence change replaces tyrosine, which is neutral and polar, with cysteine, which is neutral and slightly polar, at codon 47 of the DICER1 protein (p.Tyr47Cys). This variant is not present in population databases (gnomAD no frequency). This variant has not been reported in the literature in individuals affected with DICER1-related conditions. Advanced modeling of protein sequence and biophysical properties (such as structural, functional, and spatial information, amino acid conservation, physicochemical variation, residue mobility, and thermodynamic stability) performed at Invitae indicates that this missense variant is expected to disrupt DICER1 protein function. In summary, the available evidence is currently insufficient to determine the role of this variant in disease. Therefore, it has been classified as a Variant of Uncertain Significance.

Ambry Genetics
Classification: Uncertain significance for Hereditary cancer-predisposing syndrome. Last evaluated: 2022-12-22. Review status: criteria provided, single submitter. Criteria: Ambry Variant Classification Scheme 2023. Collection method: clinical testing. Allele origin: germline.
Comment: The p.Y47C variant (also known as c.140A>G), located in coding exon 1 of the DICER1 gene, results from an A to G substitution at nucleotide position 140. The tyrosine at codon 47 is replaced by cysteine, an amino acid with highly dissimilar properties. This amino acid position is conserved. In addition, this alteration is predicted to be deleterious by in silico analysis. Since supporting evidence is limited at this time, the clinical significance of this alteration remains unclear.